The following is an entry in ClinVar:

ClinVar aggregate classification (germline): Likely benign (0 of 4 stars; one submission).

Conditions:
PHIP-related disorder. Also called: PHIP-related condition; PHIP-related disorders.

Submission:

PreventionGenetics, part of Exact Sciences
Classification: Likely benign for PHIP-related condition. Last evaluated: 2022-11-28. Review status: no assertion criteria provided. Collection method: clinical testing. Allele origin: germline.
Comment: This variant is classified as likely benign based on ACMG/AMP sequence variant interpretation guidelines (Richards et al. 2015 PMID: 25741868, with internal and published modifications).

NM_017934.7(PHIP):c.4370+7A>G

Genes: IRAK1BP1 (interleukin 1 receptor associated kinase 1 binding protein 1; plus strand), PHIP (PHIP subunit of CUL4-Ring ligase complex; minus strand). Cytogenetic location: 6q14.1.
Variant type: single nucleotide variant.
Coding change: c.4370+7A>G on transcript NM_017934.7 (MANE Select); 7 bases into the intron after coding-DNA position 4370, A replaced by G.
Molecular consequence: intron variant.
Genome position (GRCh38, 1-based): chr6:78,946,704, T>C on the plus strand (A>G on the coding strand, the complement: PHIP is on the minus strand). VCF-style: chr6-78946704-T-C. GRCh37 (hg19) VCF-style: chr6-79656421-T-C.
Identifiers: ClinVar variation 3354914 (VCV003354914.1).
Genomic context (GRCh38, chr6:78,946,704, plus strand): 5'-ACACCAAGTTCTATCATTTAGATGAAAGTTATAGATCAGCTAGTGGTATTTAAAAGAAAT[T>C]AAATACCTTGATGCAGCACTACTGGAAACAGAGCTGCTTCTGTTTCTTTTCTTCCTCCTT-3'